The following is an entry in ClinVar:

ClinVar aggregate classification (germline): Uncertain significance (1 of 4 stars; one submission).

Conditions:
Cardiovascular phenotype. Identifiers: MedGen CN230736.

Allele frequency attached by ClinVar (database versions not stated): ExAC 0.00001; gnomAD 0.00001; gnomAD exomes 0.00001.
gnomAD v4.1: 11 of 1,613,642 alleles (0.00068%); highest among the groups gnomAD compares: Non-Finnish European, 0.00093%; no homozygotes.

Submission:

Ambry Genetics
Classification: Uncertain significance for Cardiovascular phenotype. Last evaluated: 2024-03-01. Review status: criteria provided, single submitter. Criteria: Ambry Variant Classification Scheme 2023. Collection method: clinical testing. Allele origin: germline.
Comment: The p.D238H variant (also known as c.712G>C), located in coding exon 5 of the TBX20 gene, results from a G to C substitution at nucleotide position 712. The aspartic acid at codon 238 is replaced by histidine, an amino acid with similar properties. This amino acid position is conserved. In addition, the in silico prediction for this alteration is inconclusive. Based on the available evidence, the clinical significance of this alteration remains unclear.

NM_001077653.2(TBX20):c.712G>C (p.Asp238His)

Gene: TBX20 (T-box transcription factor 20; minus strand). Cytogenetic location: 7p14.2.
Variant type: single nucleotide variant.
Coding change: c.712G>C on transcript NM_001077653.2 (MANE Select); coding-DNA position 712, G replaced by C.
Protein change: p.Asp238His; replaces aspartic acid 238 with histidine.
Molecular consequence: missense variant.
Genome position (GRCh38, 1-based): chr7:35,240,980, C>G on the plus strand (G>C on the coding strand, the complement: TBX20 is on the minus strand). VCF-style: chr7-35240980-C-G. GRCh37 (hg19) VCF-style: chr7-35280592-C-G.
Other names: c.712G>C, p.Asp238His (NM_001166220.1); short protein forms D238H.
Identifiers: ClinVar variation 3232618 (VCV003232618.1), dbSNP rs754248307, ClinGen allele CA4217444.